The following is an entry in ClinVar:

NM_025216.3(WNT10A):c.*275C>T

Gene: WNT10A (Wnt family member 10A; plus strand). Cytogenetic location: 2q35.
Variant type: single nucleotide variant.
Coding change: c.*275C>T on transcript NM_025216.3 (MANE Select); 275 bases downstream of the stop codon, C replaced by T.
Molecular consequence: 3 prime UTR variant.
Genome position (GRCh38, 1-based): chr2:218,893,546, C>T. VCF-style: chr2-218893546-C-T. GRCh37 (hg19) VCF-style: chr2-219758268-C-T.
Identifiers: ClinVar variation 334421 (VCV000334421.5), dbSNP rs182186187, ClinGen allele CA10614203.

ClinVar aggregate classification (germline): Likely benign. Review status: criteria provided, single submitter (1 of 4 stars). 3 submissions from 1 submitter: Likely benign (3). Last evaluated 2018-01-13.

Conditions:
Tooth agenesis, selective, 4 (STHAG4). Also called: SUCCEDANEOUS TEETH, AGENESIS OF; LATERAL INCISORS, ABSENCE OF; LATERAL INCISORS, PEGGED OR MISSING; TOOTH AGENESIS, SELECTIVE, 4, WITH OR WITHOUT ECTODERMAL DYSPLASIA. Identifiers: Orphanet 99798, MedGen C1835492, MONDO:0007881, OMIM 150400. Disease mechanism: loss of function.
Odonto-onycho-dermal dysplasia. Identifiers: Orphanet 2721, MedGen C0796093, MONDO:0009773, OMIM 257980.
Schöpf-Schulz-Passarge syndrome. Also called: ECCRINE TUMORS WITH ECTODERMAL DYSPLASIA; KERATOSIS PALMOPLANTARIS WITH CYSTIC EYELIDS, HYPODONTIA, AND HYPOTRICHOSIS; SchC6pf-Schulz-Passarge syndrome. Identifiers: Orphanet 50944, MedGen C1857069, MONDO:0009145, OMIM 224750.

Allele frequency attached by ClinVar (database versions not stated): gnomAD 0.00001 and 0.00009; TOPMed 0.00002; 1000 Genomes Project 30x 0.00047; gnomAD exomes 0.00048; 1000 Genomes Project 0.00060.
gnomAD v4.1: 129 of 410,458 alleles (0.031%); highest among the groups gnomAD compares: East Asian, 0.47%; no homozygotes.

Submissions (3):

Illumina Laboratory Services, Illumina
Classification: Likely benign for Tooth agenesis, selective, 4. Last evaluated: 2018-01-13. Review status: criteria provided, single submitter. Criteria: ICSL Variant Classification Criteria 13 December 2019. Collection method: clinical testing. Allele origin: germline.
Comment: This variant was observed in the ICSL laboratory as part of a predisposition screen in an ostensibly healthy population. It had not been previously curated by ICSL or reported in the Human Gene Mutation Database (HGMD: prior to June 1st, 2018), and was therefore a candidate for classification through an automated scoring system. Utilizing variant allele frequency, disease prevalence and penetrance estimates, and inheritance mode, an automated score was calculated to assess if this variant is too frequent to cause the disease. Based on the score and internal cut-off values, a variant classified as likely benign is not then subjected to further curation. The score for this variant resulted in a classification of likely benign for this disease.

Illumina Laboratory Services, Illumina
Classification: Likely benign for Odonto-onycho-dermal dysplasia. Last evaluated: 2018-01-13. Review status: criteria provided, single submitter. Criteria: ICSL Variant Classification Criteria 13 December 2019. Collection method: clinical testing. Allele origin: germline.
Comment: the same text as in the submission from Illumina Laboratory Services, Illumina above.

Illumina Laboratory Services, Illumina
Classification: Likely benign for Schöpf-Schulz-Passarge syndrome. Last evaluated: 2018-01-13. Review status: criteria provided, single submitter. Criteria: ICSL Variant Classification Criteria 13 December 2019. Collection method: clinical testing. Allele origin: germline.
Comment: the same text as in the submission from Illumina Laboratory Services, Illumina above.